The following is an entry in ClinVar:

NM_000059.4(BRCA2):c.4314C>T (p.Val1438=)

Gene: BRCA2 (BRCA2 DNA repair associated; plus strand). Cytogenetic location: 13q13.1.
Variant type: single nucleotide variant.
Coding change: c.4314C>T on transcript NM_000059.4 (MANE Select); coding-DNA position 4314, C replaced by T.
Protein change: p.Val1438=; no amino-acid change (valine 1438 retained).
Molecular consequence: synonymous variant.
Genome position (GRCh38, 1-based): chr13:32,338,669, C>T. VCF-style: chr13-32338669-C-T. GRCh37 (hg19) VCF-style: chr13-32912806-C-T.
Other names: p.V1438V:GTC>GTT.
Identifiers: ClinVar variation 182286 (VCV000182286.67), dbSNP rs730881590, ClinGen allele CA019951.

ClinVar aggregate classification (germline): Likely benign. Review status: reviewed by expert panel (3 of 4 stars). 16 submissions from 16 submitters: Likely benign (1). 15 of the submissions do not count toward it. Last evaluated 2017-06-29.

Conditions:
BRCA2-related disorder. Also called: BRCA2-related condition; BRCA2-related disorders. Identifiers: MedGen CN239275.
Hereditary cancer-predisposing syndrome. Also called: Tumor predisposition; Neoplastic Syndromes, Hereditary; Hereditary Cancer Syndrome; Hereditary neoplastic syndrome. Identifiers: Orphanet 140162, MedGen C0027672, MeSH D009386, MONDO:0015356.
Hereditary breast ovarian cancer syndrome. Also called: Hereditary breast and ovarian cancer; Hereditary breast and ovarian cancer syndrome (HBOC); Breast and ovarian cancer; Hereditary breast and/or ovarian cancer syndrome; BRCA1- and BRCA2-Associated Hereditary Breast and Ovarian Cancer; Hereditary breast and ovarian cancer syndrome. Identifiers: Orphanet 145, MedGen C0677776, MeSH D061325, MONDO:0003582. Disease mechanism: loss of function.
Breast-ovarian cancer, familial, susceptibility to, 2 (BROVCA2). Also called: BRCA2 Hereditary Breast and Ovarian Cancer. Identifiers: Orphanet 145, MedGen C2675520, MONDO:0012933, OMIM 612555. Disease mechanism: loss of function.

Allele frequency attached by ClinVar (database versions not stated): ExAC 0.00004; gnomAD exomes 0.00006; gnomAD 0.00008 and 0.00009; TOPMed 0.00011.
gnomAD v4.1: 75 of 1,595,476 alleles (0.0047%); highest among the groups gnomAD compares: Admixed American, 0.017%; no homozygotes.

Submissions (16):

Evidence-based Network for the Interpretation of Germline Mutant Alleles (ENIGMA)
Classification: Likely benign for Breast-ovarian cancer, familial, susceptibility to, 2. Last evaluated: 2017-06-29. Review status: reviewed by expert panel. Criteria: ENIGMA BRCA1/2 Classification Criteria (2017-06-29). Collection method: curation. Allele origin: germline.
Comment: Synonymous substitution variant, with low bioinformatic likelihood to result in a splicing aberration (Splicing prior probability 0.02).

Labcorp Genetics (formerly Invitae), Labcorp
Classification: Likely benign for Hereditary breast ovarian cancer syndrome. Last evaluated: 2026-02-03. Review status: criteria provided, single submitter. Criteria: Invitae Variant Classification Sherloc (09022015). Collection method: clinical testing. Allele origin: germline. Not counted in ClinVar's aggregate classification.

Center for Genomic Medicine, Rigshospitalet, Copenhagen University Hospital
Classification: Likely benign. Last evaluated: 2025-03-04. Review status: criteria provided, single submitter. Criteria: ACMG Guidelines, 2015. Collection method: clinical testing. Allele origin: germline. Not counted in ClinVar's aggregate classification.

Laboratory of Genetics, Children's Clinical University Hospital Latvia
Classification: Likely benign. Last evaluated: 2025-02-16. Review status: criteria provided, single submitter. Criteria: ACMG Guidelines, 2015. Collection method: clinical testing. Allele origin: germline. Affected: yes. Not counted in ClinVar's aggregate classification.

Quest Diagnostics Nichols Institute San Juan Capistrano
Classification: Likely benign. Last evaluated: 2025-01-11. Review status: criteria provided, single submitter. Criteria: Quest Diagnostics criteria. Collection method: clinical testing. Allele origin: unknown. Not counted in ClinVar's aggregate classification.

Blueprint Genetics
Classification: Likely benign. Last evaluated: 2024-10-18. Review status: criteria provided, single submitter. Criteria: ACMG Guidelines, 2015. Collection method: clinical testing. Allele origin: germline. Not counted in ClinVar's aggregate classification.

CeGaT Center for Human Genetics Tuebingen
Classification: Likely benign. Last evaluated: 2023-11-01. Review status: criteria provided, single submitter. Criteria: CeGaT Center For Human Genetics Tuebingen Variant Classification Criteria Version 2. Collection method: clinical testing. Allele origin: germline. Affected: yes. Observed: 2 variant alleles. Not counted in ClinVar's aggregate classification.
Comment: BRCA2: BP4

Sema4
Classification: Likely benign for Hereditary cancer-predisposing syndrome. Last evaluated: 2020-09-01. Review status: criteria provided, single submitter. Criteria: Sema4 Curation Guidelines. Collection method: curation. Allele origin: germline. Not counted in ClinVar's aggregate classification.

Genetic Services Laboratory, University of Chicago
Classification: Likely benign. Last evaluated: 2019-10-16. Review status: criteria provided, single submitter. Criteria: ACMG Guidelines, 2015. Collection method: clinical testing. Allele origin: germline. Affected: no. Not counted in ClinVar's aggregate classification.

ARUP Laboratories, Molecular Genetics and Genomics, ARUP Laboratories
Classification: Likely benign. Last evaluated: 2019-08-01. Review status: criteria provided, single submitter. Criteria: ARUP Molecular Germline Variant Investigation Process. Collection method: clinical testing. Allele origin: germline. Not counted in ClinVar's aggregate classification.

Women's Health and Genetics/Laboratory Corporation of America, LabCorp
Classification: Likely benign. Last evaluated: 2017-01-18. Review status: criteria provided, single submitter. Criteria: LabCorp Variant Classification Summary - May 2015. Collection method: clinical testing. Allele origin: germline. Not counted in ClinVar's aggregate classification.
Comment: Variant summary: The BRCA2 c.4314C>T (p.Val1438Val) variant involves the alteration of a non-conserved nucleotide, resulting in a synonymous change. Mutation Taster predicts a damaging outcome for this variant. This variant does not overlap a splice site and Alamut 5/5 splicing tools predict no major changes caused by the variant. ESEfinder predicts a loss of binding motif for splicing enhancer SRp55. This variant was found in 5/119340 control chromosomes at a frequency of 0.0000419, which does not exceed the estimated maximal expected allele frequency of a pathogenic BRCA2 variant (0.0007503). Publications (Ikediobi_Mol Cancer Ther_2006 and Stordal_Mol Oncol_2013) listed variant as polymorphism identified in an ovarian tumor cell line. The variant was identified as a somatic mutation in one colorectal tumor (Giannakis_NG_2014), but has not been cited as a germline mutation in patients from the literature. In addition, multiple clinical diagnostic laboratories/reputable databases classified this variant as Benign/Likely Benign. Taken together, this variant is classified as Likely Benign.

Color Diagnostics, LLC DBA Color Health
Classification: Likely benign for Hereditary cancer-predisposing syndrome. Last evaluated: 2016-04-08. Review status: criteria provided, single submitter. Criteria: ACMG Guidelines, 2015. Collection method: clinical testing. Allele origin: germline. Not counted in ClinVar's aggregate classification.

Ambry Genetics
Classification: Likely benign for Hereditary cancer-predisposing syndrome. Last evaluated: 2014-09-30. Review status: criteria provided, single submitter. Criteria: Ambry Variant Classification Scheme 2023. Collection method: clinical testing. Allele origin: germline. Not counted in ClinVar's aggregate classification.

GeneDx
Classification: Benign. Last evaluated: 2014-06-28. Review status: criteria provided, single submitter. Criteria: GeneDx Variant Classification (06012015). Collection method: clinical testing. Allele origin: germline. Affected: yes. Not counted in ClinVar's aggregate classification.
Comment: This variant is considered likely benign or benign based on one or more of the following criteria: it is a conservative change, it occurs at a poorly conserved position in the protein, it is predicted to be benign by multiple in silico algorithms, and/or has population frequency not consistent with disease.

PreventionGenetics, part of Exact Sciences
Classification: Likely benign for BRCA2-related condition. Last evaluated: 2020-04-10. Review status: no assertion criteria provided. Collection method: clinical testing. Allele origin: germline. Not counted in ClinVar's aggregate classification.
Comment: This variant is classified as likely benign based on ACMG/AMP sequence variant interpretation guidelines (Richards et al. 2015 PMID: 25741868, with internal and published modifications).

Department of Pathology and Laboratory Medicine, Sinai Health System
Classification: Benign. Review status: no assertion criteria provided. Collection method: clinical testing. Allele origin: unknown. Affected: yes. Study: The Canadian Open Genetics Repository (COGR). Not counted in ClinVar's aggregate classification.
Comment: This variant is not expected to have clinical significance because it does not alter an amino acid residue and is not located near a splice junction. In summary, based on the above information, this variant is classified as benign.

Literature cited by the submitters: PubMed 30287823 (cited by Quest Diagnostics Nichols Institute San Juan Capistrano); PubMed 23415752 (cited by Quest Diagnostics Nichols Institute San Juan Capistrano and Women's Health and Genetics/Laboratory Corporation of America, LabCorp); PubMed 11139248 (cited by Quest Diagnostics Nichols Institute San Juan Capistrano and Women's Health and Genetics/Laboratory Corporation of America, LabCorp); PubMed 17088437 (cited by Women's Health and Genetics/Laboratory Corporation of America, LabCorp); PubMed 25344691 (cited by Women's Health and Genetics/Laboratory Corporation of America, LabCorp); PubMed 25230021 (cited by Women's Health and Genetics/Laboratory Corporation of America, LabCorp).